The following is an entry in ClinVar:

NM_007294.4(BRCA1):c.5508G>T (p.Glu1836Asp)

Gene: BRCA1 (BRCA1 DNA repair associated; minus strand). Cytogenetic location: 17q21.31.
Variant type: single nucleotide variant.
Coding change: c.5508G>T on transcript NM_007294.4 (MANE Select); coding-DNA position 5508, G replaced by T.
Protein change: p.Glu1836Asp; replaces glutamic acid 1836 with aspartic acid.
Molecular consequence: missense variant. On other transcripts: 3 prime UTR variant (1), non-coding transcript variant (1).
Genome position (GRCh38, 1-based): chr17:43,045,762, C>A on the plus strand (G>T on the coding strand, the complement: BRCA1 is on the minus strand). VCF-style: chr17-43045762-C-A. GRCh37 (hg19) VCF-style: chr17-41197779-C-A.
Other names: c.5367G>T, p.Glu1789Asp (NM_001407728.1, NM_001407729.1, NM_001407730.1 and 12 more transcripts); c.5364G>T, p.Glu1788Asp (NM_001407740.1, NM_001407741.1, NM_001407742.1 and 18 more transcripts); c.5298G>T, p.Glu1766Asp (NM_001407882.1, NM_001407884.1, NM_001407885.1 and 5 more transcripts); c.5295G>T, p.Glu1765Asp (NM_001407894.1, NM_001407895.1, NM_001407896.1 and 12 more transcripts); c.2199G>T, p.Glu733Asp (NM_001407974.1, NM_001407975.1, NM_001407976.1 and 3 more transcripts); c.2196G>T, p.Glu732Asp (NM_001407979.1, NM_001407980.1, NM_001407981.1 and 11 more transcripts); c.2082G>T, p.Glu694Asp (NM_001408418.1, NM_001408419.1, NM_001408420.1); c.2079G>T, p.Glu693Asp (NM_001408421.1, NM_001408422.1, NM_001408423.1 and 1 more transcripts); and 74 more; short protein forms E732D, E1789D, E1836D, E1857D, E1539D, E1707D, E1724D, E1725D.
Identifiers: ClinVar variation 868607 (VCV000868607.3), dbSNP rs2050877902, ClinGen allele CA10590298.
Genomic context (GRCh38, chr17:43,045,762, plus strand): 5'-GGGTATCAGGTAGGTGTCCAGCTCCTGGCACTGGTAGAGTGCTACACTGTCCAACACCCA[C>A]TCTCGGGTCACCACAGGTGCCTCACACATCTGCCCAATTGCTGGAGACAGAGAACACAAG-3'
Protein context (NP_009225.1, residues 1826-1846): QMCEAPVVTR[Glu1836Asp]WVLDSVALYQ

Conditions:
Breast-ovarian cancer, familial, susceptibility to, 1 (BROVCA1). Also called: BRCA1 Hereditary Breast and Ovarian Cancer; OVARIAN CANCER, SUSCEPTIBILITY TO. Identifiers: Orphanet 145, MedGen C2676676, MONDO:0011450, OMIM 604370. Disease mechanism: loss of function.

Submission:

Brotman Baty Institute, University of Washington
No classification provided (evidence only). Condition: Breast-ovarian cancer, familial 1. Review status: no classification provided. Collection method: in vitro. Allele origin: not applicable. Functional consequence: functionally_normal.
ClinVar note: "not provided" was previously submitted as the classification for the variant. However, the classification appeared to be based only on an observation of functional data so it was converted to no classification on 2025-07-30.